The following is an entry in ClinVar:

ClinVar aggregate classification (germline): Uncertain significance. Review status: criteria provided, multiple submitters, no conflicts (2 of 4 stars). 2 submissions from 2 submitters: Uncertain significance (2). Last evaluated 2025-08-24.

Conditions:
Cardiovascular phenotype. Identifiers: MedGen CN230736.
RASopathy. Also called: rasopathies; Noonan spectrum disorder. Identifiers: Orphanet 536391, MedGen C5555857, MONDO:0021060.

Allele frequency attached by ClinVar (database versions not stated): gnomAD exomes below 0.00001.

Submissions (2):

Labcorp Genetics (formerly Invitae), Labcorp
Classification: Uncertain significance for RASopathy. Last evaluated: 2025-08-24. Review status: criteria provided, single submitter. Criteria: Invitae Variant Classification Sherloc (09022015). Collection method: clinical testing. Allele origin: germline.
Comment: This sequence change replaces glutamic acid, which is acidic and polar, with aspartic acid, which is acidic and polar, at codon 89 of the SHOC2 protein (p.Glu89Asp). This variant is not present in population databases (gnomAD no frequency). This variant has not been reported in the literature in individuals affected with SHOC2-related conditions. ClinVar contains an entry for this variant (Variation ID: 2233637). Invitae Evidence Modeling of protein sequence and biophysical properties (such as structural, functional, and spatial information, amino acid conservation, physicochemical variation, residue mobility, and thermodynamic stability) indicates that this missense variant is not expected to disrupt SHOC2 protein function with a negative predictive value of 80%. In summary, the available evidence is currently insufficient to determine the role of this variant in disease. Therefore, it has been classified as a Variant of Uncertain Significance.

Ambry Genetics
Classification: Uncertain significance for Cardiovascular phenotype. Last evaluated: 2025-05-03. Review status: criteria provided, single submitter. Criteria: Ambry Variant Classification Scheme 2023. Collection method: clinical testing. Allele origin: germline.
Comment: The p.E89D variant (also known as c.267G>C), located in coding exon 1 of the SHOC2 gene, results from a G to C substitution at nucleotide position 267. The glutamic acid at codon 89 is replaced by aspartic acid, an amino acid with highly similar properties. This amino acid position is conserved. In addition, the in silico prediction for this alteration is inconclusive. Based on the available evidence, the clinical significance of this variant remains unclear.

NM_007373.4(SHOC2):c.267G>C (p.Glu89Asp)

Gene: SHOC2 (SHOC2 leucine rich repeat scaffold protein; plus strand). Cytogenetic location: 10q25.2.
Variant type: single nucleotide variant.
Coding change: c.267G>C on transcript NM_007373.4 (MANE Select); coding-DNA position 267, G replaced by C.
Protein change: p.Glu89Asp; replaces glutamic acid 89 with aspartic acid.
Molecular consequence: missense variant.
Genome position (GRCh38, 1-based): chr10:110,964,625, G>C. VCF-style: chr10-110964625-G-C. GRCh37 (hg19) VCF-style: chr10-112724383-G-C.
Other names: c.267G>C, p.Glu89Asp (NM_001269039.3, NM_001324336.2, NM_001324337.2); short protein forms E89D.
Identifiers: ClinVar variation 2233637 (VCV002233637.5), dbSNP rs2493839017, ClinGen allele CA378383261.
Genomic context (GRCh38, chr10:110,964,625, plus strand): 5'-CAATACGATCAAACGGCCAAACCCAGCACCTGGGACTAGAAAAAAATCCAGCAATGCAGA[G>C]GTGATTAAAGAGCTCAACAAATGCCGGGAAGAGAATTCAATGCGTTTGGACTTATCCAAG-3'
Protein context (NP_031399.2, residues 79-99): PGTRKKSSNA[Glu89Asp]VIKELNKCRE